The following is an entry in ClinVar:

ClinVar aggregate classification (germline): Conflicting classifications of pathogenicity. Review status: criteria provided, conflicting classifications (1 of 4 stars). 4 submissions from 4 submitters: Uncertain significance (1); Likely benign (3). Last evaluated 2026-01-24.

Conditions:
Mitochondrial complex V (ATP synthase) deficiency, nuclear type 2. Also called: ENCEPHALOCARDIOMYOPATHY, MITOCHONDRIAL, NEONATAL, DUE TO ATP SYNTHASE DEFICIENCY; MITOCHONDRIAL COMPLEX V (ATP SYNTHASE) DEFICIENCY, TMEM70 TYPE; Nuclear-Encoded ATPase Deficiency, TMEM70-Related. Identifiers: Orphanet 1194, MedGen C3279699, MONDO:0013546, OMIM 614052.

Allele frequency attached by ClinVar (database versions not stated): gnomAD 0.00006 and 0.00008; TOPMed 0.00011; ESP Exome Variant Server 0.00015; gnomAD exomes 0.00016 and 0.00022; ExAC 0.00023.

Submissions (4):

Labcorp Genetics (formerly Invitae), Labcorp
Classification: Likely benign for Mitochondrial complex V (ATP synthase) deficiency, nuclear type 2. Last evaluated: 2026-01-24. Review status: criteria provided, single submitter. Criteria: Invitae Variant Classification Sherloc (09022015). Collection method: clinical testing. Allele origin: germline.

Blueprint Genetics
Classification: Likely benign. Last evaluated: 2024-11-07. Review status: criteria provided, single submitter. Criteria: ACMG Guidelines, 2015. Collection method: clinical testing. Allele origin: germline.

CeGaT Center for Human Genetics Tuebingen
Classification: Likely benign. Last evaluated: 2022-09-01. Review status: criteria provided, single submitter. Criteria: CeGaT Center For Human Genetics Tuebingen Variant Classification Criteria Version 2. Collection method: clinical testing. Allele origin: germline. Affected: yes. Observed: 1 variant allele.
Comment: TMEM70: BP4, BP7

Illumina Laboratory Services, Illumina
Classification: Uncertain significance for Mitochondrial complex V (ATP synthase) deficiency, nuclear type 2. Last evaluated: 2018-01-13. Review status: criteria provided, single submitter. Criteria: ICSL Variant Classification Criteria 13 December 2019. Collection method: clinical testing. Allele origin: germline.

NM_017866.6(TMEM70):c.462C>A (p.Ile154=)

Gene: TMEM70 (transmembrane protein 70; plus strand). Cytogenetic location: 8q21.11.
Variant type: single nucleotide variant.
Coding change: c.462C>A on transcript NM_017866.6 (MANE Select); coding-DNA position 462, C replaced by A.
Protein change: p.Ile154=; no amino-acid change (isoleucine 154 retained).
Molecular consequence: synonymous variant. On other transcripts: 3 prime UTR variant (1), non-coding transcript variant (1).
Genome position (GRCh38, 1-based): chr8:73,981,300, C>A. VCF-style: chr8-73981300-C-A. GRCh37 (hg19) VCF-style: chr8-74893535-C-A.
Other names: c.*152C>A (NM_001040613.3).
Identifiers: ClinVar variation 363690 (VCV000363690.47), dbSNP rs143954787, ClinGen allele CA4784057.